The following is an entry in ClinVar:

ClinVar aggregate classification (germline): Uncertain significance (1 of 4 stars; one submission).

Submission:

GeneDx
Classification: Uncertain significance. Last evaluated: 2025-09-24. Review status: criteria provided, single submitter. Criteria: GeneDx Variant Classification Process June 2021. Collection method: clinical testing. Allele origin: germline. Affected: yes.
Comment: Not observed at significant frequency in large population cohorts (gnomAD); Intronic +5 splice site variant in a gene for which loss of function is a known mechanism of disease, and both splice predictors and evolutionary conservation support a deleterious effect, although in the absence of functional evidence the actual effect of this sequence change is unknown.; Has not been previously published as pathogenic or benign to our knowledge

NM_014633.5(CTR9):c.144+5G>A

Gene: CTR9 (CTR9 component of Paf1/RNA polymerase II complex; plus strand). Cytogenetic location: 11p15.4.
Variant type: single nucleotide variant.
Coding change: c.144+5G>A on transcript NM_014633.5 (MANE Select); 5 bases into the intron after coding-DNA position 144, G replaced by A.
Molecular consequence: intron variant.
Genome position (GRCh38, 1-based): chr11:10,752,775, G>A. VCF-style: chr11-10752775-G-A. GRCh37 (hg19) VCF-style: chr11-10774322-G-A.
Other names: c.144+5G>A (NM_001346279.2).
Identifiers: ClinVar variation 4818915 (VCV004818915.1).